The following is an entry in ClinVar:

NM_000617.3(SLC11A2):c.1663G>A (p.Ala555Thr)

Gene: SLC11A2 (solute carrier family 11 member 2; minus strand). Cytogenetic location: 12q13.12.
Variant type: single nucleotide variant.
Coding change: c.1663G>A on transcript NM_000617.3 (MANE Select); coding-DNA position 1663, G replaced by A.
Protein change: p.Ala555Thr; replaces alanine 555 with threonine.
Molecular consequence: missense variant. On other transcripts: non-coding transcript variant (4), intron variant (6).
Genome position (GRCh38, 1-based): chr12:50,988,348, C>T on the plus strand (G>A on the coding strand, the complement: SLC11A2 is on the minus strand). VCF-style: chr12-50988348-C-T. GRCh37 (hg19) VCF-style: chr12-51382131-C-T.
Other names: c.1750G>A, p.Ala584Thr (NM_001174125.2, NM_001379455.1); c.1663G>A, p.Ala555Thr (NM_001174128.2, NM_001174129.2, NM_001414744.1 and 2 more transcripts); c.1651G>A, p.Ala551Thr (NM_001174130.2); c.1552G>A, p.Ala518Thr (NM_001414748.1); c.1426G>A, p.Ala476Thr (NM_001414749.1, NM_001414750.1); c.1716+34G>A (NM_001379446.1); c.1518+34G>A (NM_001414747.1); c.1629+34G>A (NM_001174127.2, NM_001174126.2, NM_001379447.2); and 1 more; short protein forms A584T, A555T, A551T, A476T, A518T.
Identifiers: ClinVar variation 309304 (VCV000309304.7), dbSNP rs550969378, ClinGen allele CA6566428.

ClinVar aggregate classification (germline): Uncertain significance. Review status: criteria provided, multiple submitters, no conflicts (2 of 4 stars). 3 submissions from 3 submitters: Uncertain significance (3). Last evaluated 2026-01-22.

Conditions:
Microcytic anemia with liver iron overload. Also called: Anemia, hypochromic microcytic, with iron overload 1. Identifiers: Orphanet 83642, MedGen C3806153, MONDO:0008787, OMIM 206100.
Inborn genetic diseases. Identifiers: MedGen C0950123, MeSH D030342.

Allele frequency attached by ClinVar (database versions not stated): gnomAD 0.00001; TOPMed 0.00001; gnomAD exomes 0.00002 and 0.00004; ExAC 0.00007; 1000 Genomes Project 0.00040; 1000 Genomes Project 30x 0.00047.
gnomAD v4.1: 33 of 1,614,048 alleles (0.002%); highest among the groups gnomAD compares: East Asian, 0.065%; no homozygotes.

Submissions (3):

Labcorp Genetics (formerly Invitae), Labcorp
Classification: Uncertain significance. Last evaluated: 2026-01-22. Review status: criteria provided, single submitter. Criteria: Invitae Variant Classification Sherloc (09022015). Collection method: clinical testing. Allele origin: germline.
Comment: This sequence change replaces alanine, which is neutral and non-polar, with threonine, which is neutral and polar, at codon 555 of the SLC11A2 protein (p.Ala555Thr). This variant is present in population databases (rs550969378, gnomAD 0.05%). This variant has not been reported in the literature in individuals affected with SLC11A2-related conditions. ClinVar contains an entry for this variant (Variation ID: 309304). An algorithm developed to predict the effect of missense changes on protein structure and function outputs the following: PolyPhen-2: "Benign". The threonine amino acid residue is found in multiple mammalian species, which suggests that this missense change does not adversely affect protein function. In summary, the available evidence is currently insufficient to determine the role of this variant in disease. Therefore, it has been classified as a Variant of Uncertain Significance.

Ambry Genetics
Classification: Uncertain significance for Inborn genetic diseases. Last evaluated: 2025-12-09. Review status: criteria provided, single submitter. Criteria: Ambry Variant Classification Scheme 2023. Collection method: clinical testing. Allele origin: germline.

Illumina Laboratory Services, Illumina
Classification: Uncertain significance for Microcytic anemia with liver iron overload. Last evaluated: 2018-01-13. Review status: criteria provided, single submitter. Criteria: ICSL Variant Classification Criteria 13 December 2019. Collection method: clinical testing. Allele origin: germline.